The following is an entry in ClinVar:

ClinVar aggregate classification (germline): Uncertain significance (1 of 4 stars; one submission).

Conditions:
Autosomal recessive severe congenital neutropenia due to CSF3R deficiency. Also called: Neutropenia, severe congenital, 7, autosomal recessive. Identifiers: Orphanet 420702, MedGen C4310764, MONDO:0014865, OMIM 617014.

Allele frequency attached by ClinVar (database versions not stated): TOPMed below 0.00001.

Submission:

Labcorp Genetics (formerly Invitae), Labcorp
Classification: Uncertain significance for Autosomal recessive severe congenital neutropenia due to CSF3R deficiency. Last evaluated: 2021-12-02. Review status: criteria provided, single submitter. Criteria: Invitae Variant Classification Sherloc (09022015). Collection method: clinical testing. Allele origin: germline.
Comment: This sequence change replaces glutamine, which is neutral and polar, with histidine, which is basic and polar, at codon 523 of the CSF3R protein (p.Gln523His). In summary, the available evidence is currently insufficient to determine the role of this variant in disease. Therefore, it has been classified as a Variant of Uncertain Significance. Algorithms developed to predict the effect of missense changes on protein structure and function are either unavailable or do not agree on the potential impact of this missense change (SIFT: "Tolerated"; PolyPhen-2: "Possibly Damaging"; Align-GVGD: "Class C0"). This variant has not been reported in the literature in individuals affected with CSF3R-related conditions. This variant is not present in population databases (gnomAD no frequency).

NM_000760.4(CSF3R):c.1569A>T (p.Gln523His)

Gene: CSF3R (colony stimulating factor 3 receptor; minus strand). Cytogenetic location: 1p34.3.
Variant type: single nucleotide variant.
Coding change: c.1569A>T on transcript NM_000760.4 (MANE Select); coding-DNA position 1569, A replaced by T.
Protein change: p.Gln523His; replaces glutamine 523 with histidine.
Molecular consequence: missense variant.
Genome position (GRCh38, 1-based): chr1:36,469,163, T>A on the plus strand (A>T on the coding strand, the complement: CSF3R is on the minus strand). VCF-style: chr1-36469163-T-A. GRCh37 (hg19) VCF-style: chr1-36934764-T-A.
Other names: c.1569A>T, p.Gln523His (NM_156039.3, NM_172313.3); short protein forms Q523H.
Identifiers: ClinVar variation 2026327 (VCV002026327.4), dbSNP rs1650539055, ClinGen allele CA339418883.
Genomic context (GRCh38, chr1:36,469,163, plus strand): 5'-GCCTTGGGAGAGAGAGGAGAGGATTCTGGAAAGGGGCCTGATAGTTGACAAACCCATTTC[T>A]TGAGAGTAGGCATAGACATGCTGGGAGGGTCCCATGGTGTCCTGGTACAAGGGAGTCACG-3'
Protein context (NP_000751.1, residues 513-533): GPSQHVYAYS[Gln523His]EMAPSHAPEL